The following is an entry in ClinVar:

ClinVar aggregate classification (germline): Uncertain significance (1 of 4 stars; one submission).

Allele frequency attached by ClinVar (database versions not stated): gnomAD exomes below 0.00001 and 0.00001.
gnomAD v4.1: 19 of 1,550,216 alleles (0.0012%); highest among the groups gnomAD compares: Non-Finnish European, 0.0016%; no homozygotes.

Submission:

Labcorp Genetics (formerly Invitae), Labcorp
Classification: Uncertain significance. Last evaluated: 2022-07-05. Review status: criteria provided, single submitter. Criteria: Invitae Variant Classification Sherloc (09022015). Collection method: clinical testing. Allele origin: germline.
Comment: This variant has not been reported in the literature in individuals affected with AEBP1-related conditions. This sequence change replaces proline, which is neutral and non-polar, with serine, which is neutral and polar, at codon 736 of the AEBP1 protein (p.Pro736Ser). This variant is present in population databases (no rsID available, gnomAD 0.001%). ClinVar contains an entry for this variant (Variation ID: 1364350). Algorithms developed to predict the effect of missense changes on protein structure and function (SIFT, PolyPhen-2, Align-GVGD) all suggest that this variant is likely to be tolerated. In summary, the available evidence is currently insufficient to determine the role of this variant in disease. Therefore, it has been classified as a Variant of Uncertain Significance.

NM_001129.5(AEBP1):c.2206C>T (p.Pro736Ser)

Gene: AEBP1 (AE binding protein 1; plus strand). Cytogenetic location: 7p13.
Variant type: single nucleotide variant.
Coding change: c.2206C>T on transcript NM_001129.5 (MANE Select); coding-DNA position 2206, C replaced by T.
Protein change: p.Pro736Ser; replaces proline 736 with serine.
Molecular consequence: missense variant.
Genome position (GRCh38, 1-based): chr7:44,112,310, C>T. VCF-style: chr7-44112310-C-T. GRCh37 (hg19) VCF-style: chr7-44151909-C-T.
Other names: short protein forms P736S.
Identifiers: ClinVar variation 1364350 (VCV001364350.6), dbSNP rs1384643789, ClinGen allele CA367369170.